The following is an entry in ClinVar:

NM_001013703.4(EIF2AK4):c.1018-41G>A

Gene: EIF2AK4 (eukaryotic translation initiation factor 2 alpha kinase 4; plus strand). Cytogenetic location: 15q15.1.
Variant type: single nucleotide variant.
Coding change: c.1018-41G>A on transcript NM_001013703.4 (MANE Select); 41 bases into the intron before coding-DNA position 1018, G replaced by A.
Molecular consequence: intron variant.
Genome position (GRCh38, 1-based): chr15:39,967,303, G>A. VCF-style: chr15-39967303-G-A. GRCh37 (hg19) VCF-style: chr15-40259504-G-A.
Identifiers: ClinVar variation 674641 (VCV000674641.2), dbSNP rs522933, ClinGen allele CA7473688.

ClinVar aggregate classification (germline): Benign. Review status: criteria provided, multiple submitters, no conflicts (2 of 4 stars). 2 submissions from 2 submitters: Benign (2). Last evaluated 2018-06-14.

Allele frequency attached by ClinVar (database versions not stated): gnomAD exomes 0.41636 and 0.48264; 1000 Genomes Project 30x 0.42817; 1000 Genomes Project 0.43031; ExAC 0.43465; TOPMed 0.45018; ESP Exome Variant Server 0.46277; gnomAD 0.46813 and 0.47055.
gnomAD v4.1: 723,678 of 1,505,024 alleles (48%); highest among the groups gnomAD compares: East Asian, 51%; 176,980 homozygotes.

Submissions (2):

GeneDx
Classification: Benign. Last evaluated: 2018-06-14. Review status: criteria provided, single submitter. Criteria: GeneDx Variant Classification (06012015). Collection method: clinical testing. Allele origin: germline. Affected: yes.
Comment: This variant is considered likely benign or benign based on one or more of the following criteria: it is a conservative change, it occurs at a poorly conserved position in the protein, it is predicted to be benign by multiple in silico algorithms, and/or has population frequency not consistent with disease.

Breakthrough Genomics
Classification: Benign. Review status: criteria provided, single submitter. Criteria: ACMG Guidelines, 2015. Collection method: not provided. Allele origin: germline. Inheritance: Autosomal recessive inheritance. Affected: yes.